The following is an entry in ClinVar:

NM_205836.3(FBXO38):c.1265-3C>T

Gene: FBXO38 (F-box protein 38; plus strand). Cytogenetic location: 5q32.
Variant type: single nucleotide variant.
Coding change: c.1265-3C>T on transcript NM_205836.3 (MANE Select); 3 bases into the intron before coding-DNA position 1265, C replaced by T.
Molecular consequence: intron variant.
Genome position (GRCh38, 1-based): chr5:148,415,925, C>T. VCF-style: chr5-148415925-C-T. GRCh37 (hg19) VCF-style: chr5-147795488-C-T.
Other names: c.1265-3C>T (NM_030793.5, NM_001271723.2).
Identifiers: ClinVar variation 3724212 (VCV003724212.2).
Genomic context (GRCh38, chr5:148,415,925, plus strand): 5'-AATTCATCAGTAATGGGGAAAATGTTACTTAGATTTTCTCTGGTCATGTCATTTCTTTAA[C>T]AGACCACTCAAGATGGACTCGATTGGTTGATATCAACCTAGTACGGTGCCATGCTTTGAA-3'

ClinVar aggregate classification (germline): Uncertain significance (1 of 4 stars; one submission).

Conditions:
Distal hereditary motor neuropathy type 2. Identifiers: Orphanet 139525, MedGen C3711384, MeSH C580044, MONDO:0015352.

Submission:

Labcorp Genetics (formerly Invitae), Labcorp
Classification: Uncertain significance for Distal hereditary motor neuropathy type 2. Last evaluated: 2024-10-30. Review status: criteria provided, single submitter. Criteria: Invitae Variant Classification Sherloc (09022015). Collection method: clinical testing. Allele origin: germline.
Comment: This sequence change falls in intron 10 of the FBXO38 gene. It does not directly change the encoded amino acid sequence of the FBXO38 protein. It affects a nucleotide within the consensus splice site. This variant is not present in population databases (gnomAD no frequency). This variant has not been reported in the literature in individuals affected with FBXO38-related conditions. Variants that disrupt the consensus splice site are a relatively common cause of aberrant splicing (PMID: 17576681, 9536098). Algorithms developed to predict the effect of sequence changes on RNA splicing suggest that this variant is not likely to affect RNA splicing. In summary, the available evidence is currently insufficient to determine the role of this variant in disease. Therefore, it has been classified as a Variant of Uncertain Significance.

Literature cited by the submitters: PubMed 17576681; PubMed 9536098.